The following is an entry in ClinVar:

NM_019032.6(ADAMTSL4):c.2639del (p.Gln880fs)

Gene: ADAMTSL4 (ADAMTS like 4; plus strand). Cytogenetic location: 1q21.2.
Variant type: Deletion.
Coding change: c.2639del on transcript NM_019032.6 (MANE Select); coding-DNA position 2639, one base deleted (A; older notation c.2639delA).
Protein change: p.Gln880fs; shifts the reading frame from glutamine 880.
Molecular consequence: frameshift variant.
Genome position (GRCh38, 1-based): chr1:150,559,041, A deleted. VCF-style (leftmost placement, unchanged base first): chr1-150559040-CA-C. GRCh37 (hg19) VCF-style: chr1-150531516-CA-C.
Other names: c.2522del, p.Gln841fs (NM_001288607.2); c.2708del, p.Gln903fs (NM_001288608.2); c.2639del, p.Gln880fs (NM_001378596.1); short protein forms Q903fs, Q880fs, Q841fs.
Identifiers: ClinVar variation 2757675 (VCV002757675.3), dbSNP rs1672516278, ClinGen allele CA2479211626.

ClinVar aggregate classification (germline): Pathogenic (1 of 4 stars; one submission).

Allele frequency attached by ClinVar (database versions not stated): gnomAD exomes below 0.00001; TOPMed 0.00001.

Submission:

Labcorp Genetics (formerly Invitae), Labcorp
Classification: Pathogenic. Last evaluated: 2024-02-16. Review status: criteria provided, single submitter. Criteria: Invitae Variant Classification Sherloc (09022015). Collection method: clinical testing. Allele origin: germline.
Comment: This sequence change creates a premature translational stop signal (p.Gln880Argfs*68) in the ADAMTSL4 gene. It is expected to result in an absent or disrupted protein product. Loss-of-function variants in ADAMTSL4 are known to be pathogenic (PMID: 20564469, 28642162). This variant is not present in population databases (gnomAD no frequency). This variant has not been reported in the literature in individuals affected with ADAMTSL4-related conditions. For these reasons, this variant has been classified as Pathogenic.

Literature cited by the submitters: PubMed 20564469; PubMed 28642162.